The following is an entry in ClinVar:

ClinVar aggregate classification (germline): Conflicting classifications of pathogenicity. Review status: criteria provided, conflicting classifications (1 of 4 stars). 7 submissions from 7 submitters: Uncertain significance (4); Likely benign (1). 2 of the submissions do not count toward it. Last evaluated 2026-01-14.

Conditions:
Pulmonary hypertension, neonatal, susceptibility to (PHN). Identifiers: MedGen C3714958, MONDO:0014151, OMIM 615371.
Congenital hyperammonemia, type I. Also called: CPS I DEFICIENCY; Carbamoyl phosphate synthetase I deficiency disease; Carbamoyl-phosphate synthase I deficiency; Carbamoyl phosphate synthetase 1 deficiency; Hyperammonemia due to carbamoyl phosphate synthetase 1 deficiency; CPS 1 deficiency. Identifiers: Orphanet 147, MedGen C4082171, MONDO:0009376, OMIM 237300.
CPS1-related disorder. Also called: CPS1-related condition.
Inborn genetic diseases. Identifiers: MedGen C0950123, MeSH D030342.

Allele frequency attached by ClinVar (database versions not stated): ExAC 0.00013; gnomAD exomes 0.00014 and 0.00017; 1000 Genomes Project 30x 0.00016; 1000 Genomes Project 0.00020; TOPMed 0.00034; gnomAD 0.00038 and 0.00039; ESP Exome Variant Server 0.00062.
gnomAD v4.1: 299 of 1,611,220 alleles (0.019%); highest among the groups gnomAD compares: African/African-American, 0.13%; no homozygotes.

Submissions (7):

Labcorp Genetics (formerly Invitae), Labcorp
Classification: Likely benign for Congenital hyperammonemia, type I. Last evaluated: 2026-01-14. Review status: criteria provided, single submitter. Criteria: Invitae Variant Classification Sherloc (09022015). Collection method: clinical testing. Allele origin: germline.

Blueprint Genetics
Classification: Uncertain significance. Last evaluated: 2024-11-11. Review status: criteria provided, single submitter. Criteria: ACMG Guidelines, 2015. Collection method: clinical testing. Allele origin: germline.

Ambry Genetics
Classification: Uncertain significance for Inborn genetic diseases. Last evaluated: 2023-12-16. Review status: criteria provided, single submitter. Criteria: Ambry Variant Classification Scheme 2023. Collection method: clinical testing. Allele origin: germline.

Fulgent Genetics
Classification: Uncertain significance for Congenital hyperammonemia, type I; Pulmonary hypertension, neonatal, susceptibility to. Last evaluated: 2018-10-31. Review status: criteria provided, single submitter. Criteria: ACMG Guidelines, 2015. Collection method: clinical testing. Allele origin: unknown.

Illumina Laboratory Services, Illumina
Classification: Uncertain significance for Congenital hyperammonemia, type I. Last evaluated: 2018-01-13. Review status: criteria provided, single submitter. Criteria: ICSL Variant Classification Criteria 13 December 2019. Collection method: clinical testing. Allele origin: germline.

PreventionGenetics, part of Exact Sciences
Classification: Uncertain significance for CPS1-related condition. Last evaluated: 2024-06-12. Review status: no assertion criteria provided. Collection method: clinical testing. Allele origin: germline. Not counted in ClinVar's aggregate classification.
Comment: The CPS1 c.2909A>G variant is predicted to result in the amino acid substitution p.Asn970Ser. To our knowledge, this variant has not been reported in the literature. This variant is reported in 0.13% of alleles in individuals of African descent in gnomAD. At this time, the clinical significance of this variant is uncertain due to the absence of conclusive functional and genetic evidence.

Natera, Inc.
Classification: Uncertain significance for Carbamoyl-phosphate synthase I deficiency. Last evaluated: 2020-01-07. Review status: no assertion criteria provided. Collection method: clinical testing. Allele origin: germline. Not counted in ClinVar's aggregate classification.

NM_001875.5(CPS1):c.2909A>G (p.Asn970Ser)

Gene: CPS1 (carbamoyl-phosphate synthase 1; plus strand). Cytogenetic location: 2q34.
Variant type: single nucleotide variant.
Coding change: c.2909A>G on transcript NM_001875.5 (MANE Select); coding-DNA position 2909, A replaced by G.
Protein change: p.Asn970Ser; replaces asparagine 970 with serine.
Molecular consequence: missense variant. On other transcripts: non-coding transcript variant (2).
Genome position (GRCh38, 1-based): chr2:210,640,009, A>G. VCF-style: chr2-210640009-A-G. GRCh37 (hg19) VCF-style: chr2-211504733-A-G.
Other names: c.2909A>G, p.Asn970Ser (NM_001122633.3, NM_001369257.1); c.2942A>G, p.Asn981Ser (NM_001369256.1); c.2909A>G (LRG_336t1); short protein forms N970S, N981S.
Identifiers: ClinVar variation 567695 (VCV000567695.16), dbSNP rs150485422, ClinGen allele CA2086796.
Genomic context (GRCh38, chr2:210,640,009, plus strand): 5'-TAATAACACTTAATGATTTCTGCATCTTCCTTTTCTTATTTCCTCAGGAGCATGATGTCA[A>G]TTTTGATGACCATGGAATGATGGTGCTAGGCTGTGGTCCATATCACATTGGTAAAATAAT-3'
Protein context (NP_001866.2, residues 960-980): VTYNGQEHDV[Asn970Ser]FDDHGMMVLG